The following is an entry in ClinVar:

NM_005902.4(SMAD3):c.1081G>C (p.Glu361Gln)

Gene: SMAD3 (SMAD family member 3; plus strand). Cytogenetic location: 15q22.33.
Variant type: single nucleotide variant.
Coding change: c.1081G>C on transcript NM_005902.4 (MANE Select); coding-DNA position 1081, G replaced by C.
Protein change: p.Glu361Gln; replaces glutamic acid 361 with glutamine.
Molecular consequence: missense variant.
Genome position (GRCh38, 1-based): chr15:67,187,436, G>C. VCF-style: chr15-67187436-G-C. GRCh37 (hg19) VCF-style: chr15-67479774-G-C.
Other names: p.E361Q:GAG>CAG; c.766G>C, p.Glu256Gln (NM_001145102.2); c.949G>C, p.Glu317Gln (NM_001145103.2); c.496G>C, p.Glu166Gln (NM_001145104.2); short protein forms E361Q, E166Q, E317Q, E256Q.
Identifiers: ClinVar variation 213794 (VCV000213794.9), dbSNP rs387906856, ClinGen allele CA324625.

ClinVar aggregate classification (germline): Conflicting classifications of pathogenicity. Review status: criteria provided, conflicting classifications (1 of 4 stars). 2 submissions from 2 submitters: Likely pathogenic (1); Uncertain significance (1). Last evaluated 2025-12-30.

Conditions:
Familial thoracic aortic aneurysm and aortic dissection (TAAD). Also called: Thoracic aortic aneurysms and dissections. Identifiers: Orphanet 91387, MedGen C4707243, MONDO:0019625.

Submissions (2):

GeneDx
Classification: Likely pathogenic. Last evaluated: 2025-12-30. Review status: criteria provided, single submitter. Criteria: GeneDx Variant Classification Process June 2021. Collection method: clinical testing. Allele origin: germline. Affected: yes.
Comment: Has not been previously published as pathogenic or benign to our knowledge; Not observed at significant frequency in large population cohorts (gnomAD); In silico analysis supports that this missense variant has a deleterious effect on protein structure/function

Labcorp Genetics (formerly Invitae), Labcorp
Classification: Uncertain significance for Familial thoracic aortic aneurysm and aortic dissection. Last evaluated: 2024-09-09. Review status: criteria provided, single submitter. Criteria: Invitae Variant Classification Sherloc (09022015). Collection method: clinical testing. Allele origin: germline.
Comment: This sequence change replaces glutamic acid, which is acidic and polar, with glutamine, which is neutral and polar, at codon 361 of the SMAD3 protein (p.Glu361Gln). This variant is not present in population databases (gnomAD no frequency). This variant has not been reported in the literature in individuals affected with SMAD3-related conditions. ClinVar contains an entry for this variant (Variation ID: 213794). Invitae Evidence Modeling of protein sequence and biophysical properties (such as structural, functional, and spatial information, amino acid conservation, physicochemical variation, residue mobility, and thermodynamic stability) indicates that this missense variant is expected to disrupt SMAD3 protein function with a positive predictive value of 80%. In summary, the available evidence is currently insufficient to determine the role of this variant in disease. Therefore, it has been classified as a Variant of Uncertain Significance.